The following is an entry in ClinVar:

ClinVar aggregate classification (germline): Pathogenic. Review status: criteria provided, multiple submitters, no conflicts (2 of 4 stars). 7 submissions from 7 submitters: Pathogenic (6). 1 of the submissions does not count toward it. Last evaluated 2025-08-12.

Conditions:
SMPD1-related disorder. Also called: SMPD1-related condition.
Niemann-Pick disease, type A. Also called: SPHINGOMYELIN LIPIDOSIS; SPHINGOMYELINASE DEFICIENCY; Infantile Neurovisceral ASMD (Niemann-Pick Disease Type A; NPD-A). Identifiers: Orphanet 77292, MedGen C0268242, MONDO:0009756, OMIM 257200. Disease mechanism: loss of function.
Niemann-Pick disease, type B. Also called: Chronic Visceral ASMD (Niemann-Pick Disease Type B; NPD-B). Identifiers: Orphanet 77293, MedGen C0268243, MONDO:0011871, OMIM 607616. Disease mechanism: loss of function.

Submissions (7):

Natera, Inc.
Classification: Pathogenic for Niemann-Pick Disease, Types A/B. Last evaluated: 2025-08-12. Review status: criteria provided, single submitter. Criteria: Natera Variant Classification Schema (03/2026). Collection method: clinical testing. Allele origin: germline.
Comment: The c.1420_1421delCT variant in SMPD1 is a frameshift variant predicted to shift the reading frame beginning at codon 474 and leads to a stop codon 20 codons downstream. This variant is expected to result in nonsense mediated decay, truncation, or a dysfunctional protein product. This variant is rare in the general population with a frequency below the threshold expected for the associated phenotype(s). This variant has been observed in one or more individuals affected with the associated recessive disease, as either homozygous or compound heterozygous with a second variant (PMID: 22818240, 25811928). Given the available evidence, this variant is classified as Pathogenic.

Labcorp Genetics (formerly Invitae), Labcorp
Classification: Pathogenic for Niemann-Pick disease, type B; Niemann-Pick disease, type A. Last evaluated: 2025-03-19. Review status: criteria provided, single submitter. Criteria: Invitae Variant Classification Sherloc (09022015). Collection method: clinical testing. Allele origin: germline.
Comment: This sequence change creates a premature translational stop signal (p.Leu474Glufs*20) in the SMPD1 gene. While this is not anticipated to result in nonsense mediated decay, it is expected to disrupt the last 158 amino acid(s) of the SMPD1 protein. This variant is not present in population databases (gnomAD no frequency). This premature translational stop signal has been observed in individual(s) with Niemann-Pick disease (PMID: 25811928). This variant is also known as c.1417–1418delCT. This variant disrupts a region of the SMPD1 protein in which other variant(s) (p.Arg542*) have been determined to be pathogenic (PMID: 22796693, 23188845, 27338287). This suggests that this is a clinically significant region of the protein, and that variants that disrupt it are likely to be disease-causing. For these reasons, this variant has been classified as Pathogenic.

Baylor Genetics
Classification: Pathogenic for Niemann-Pick disease, type A. Last evaluated: 2024-03-04. Review status: criteria provided, single submitter. Criteria: ACMG Guidelines, 2015. Collection method: clinical testing. Allele origin: unknown.

Fulgent Genetics
Classification: Pathogenic for Niemann-Pick disease, type A; Niemann-Pick disease, type B. Last evaluated: 2024-02-22. Review status: criteria provided, single submitter. Criteria: ACMG Guidelines, 2015. Collection method: clinical testing. Allele origin: germline.

Women's Health and Genetics/Laboratory Corporation of America, LabCorp
Classification: Pathogenic. Last evaluated: 2018-02-05. Review status: criteria provided, single submitter. Criteria: LabCorp Variant Classification Summary - May 2015. Collection method: clinical testing. Allele origin: germline.
Comment: Variant summary: SMPD1 c.1420_1421delCT (p.Leu474GlufsX20) results in a premature termination codon, predicted to cause a truncation of the encoded protein or absence of the protein due to nonsense mediated decay, which are commonly known mechanisms for disease. Truncations downstream of this position have been classified as likely pathogenic by our laboratory (e.g. p.Ala597fsX7). The variant was absent in 121390 control chromosomes. c.1420_1421delCT has been reported in the literature in individuals affected with Niemann-Pick Disease Type A in compound heterozygous and homozygous state (Hollak_2012, Manshadi_2015). These data indicate that the variant may be associated with disease. At least one publication reports that this variant leads to significant decrease of Leukocytes-ASM activity. One diagnostic laboratory classified this variant as pathogenic in 2017. Based on the evidence outlined above, the variant was classified as pathogenic.

Eurofins Ntd Llc (ga)
Classification: Pathogenic. Last evaluated: 2013-01-21. Review status: criteria provided, single submitter. Criteria: EGL Classification Definitions. Collection method: clinical testing. Allele origin: germline. Observed: 1 variant allele, 1 heterozygote.

PreventionGenetics, part of Exact Sciences
Classification: Pathogenic for SMPD1-related condition. Last evaluated: 2024-01-13. Review status: no assertion criteria provided. Collection method: clinical testing. Allele origin: germline. Not counted in ClinVar's aggregate classification.
Comment: The SMPD1 c.1420_1421delCT variant is predicted to result in a frameshift and premature protein termination (p.Leu474Glufs*20). This variant (also known as c.1417_1418delCT in an alternative transcript) has been reported in the homozygous state in multiple individuals with Niemann-Pick disease type A (Table 4, Abtahi et al. 2021. PubMed ID: 34554397; Table 1, Kang et al. 2022. PubMed ID: 35617710). Additionally, this variant has been reported heterozygous with another SMPD1 variant in an individual with an intermediate Niemann-Pick disease type A/B (Table 1, Hollak et al. 2012. PubMed ID: 22818240). This variant has not been reported in a large population database, indicating this variant is rare. Frameshift variants in SMPD1 are expected to be pathogenic. This variant is interpreted as pathogenic.

Literature cited by the submitters: PubMed 22818240 (cited by Natera, Inc. and Women's Health and Genetics/Laboratory Corporation of America, LabCorp); PubMed 25811928 (cited by Natera, Inc. and Labcorp Genetics (formerly Invitae), Labcorp); PubMed 22796693 (cited by Labcorp Genetics (formerly Invitae), Labcorp); PubMed 23188845 (cited by Labcorp Genetics (formerly Invitae), Labcorp); PubMed 27338287 (cited by Labcorp Genetics (formerly Invitae), Labcorp); PubMed 26499107 (cited by Women's Health and Genetics/Laboratory Corporation of America, LabCorp).

NM_000543.5(SMPD1):c.1420_1421del (p.Leu474fs)

Gene: SMPD1 (sphingomyelin phosphodiesterase 1; plus strand). Cytogenetic location: 11p15.4.
Variant type: Microsatellite.
Coding change: c.1420_1421del on transcript NM_000543.5 (MANE Select); coding-DNA positions 1420 to 1421, 2 bases deleted (CT; older notation c.1420_1421delCT).
Protein change: p.Leu474fs; shifts the reading frame from leucine 474.
Molecular consequence: frameshift variant. On other transcripts: non-coding transcript variant (2).
Genome position (GRCh38, 1-based): chr11:6,393,975-6,393,976, CT deleted; deleting any 2 consecutive bases within chr11:6,393,973-6,393,976 gives the same sequence; the c. name uses the placement nearest the transcript's 3' end. VCF-style (leftmost placement, unchanged base first): chr11-6393972-ACT-A. GRCh37 (hg19) VCF-style: chr11-6415202-ACT-A.
Other names: c.1417_1418del, p.Leu473fs (NM_001007593.3); c.1420_1421del, p.Leu474fs (NM_001318087.2); c.499_500del, p.Leu167fs (NM_001318088.2); c.1288_1289del, p.Leu430fs (NM_001365135.2); short protein forms L473fs, L474fs, L430fs, L167fs.
Identifiers: ClinVar variation 93314 (VCV000093314.24), dbSNP rs398123476, ClinGen allele CA221146.
Genomic context (GRCh38, chr11:6,393,972, plus strand): 5'-GCTGCTCAGTTCTTTGGCCACACTCATGTGGATGAATTTGAGGTCTTCTATGATGAAGAG[ACT>A]CTGAGCCGGCCGCTGGCTGTAGCCTTCCTGGCACCCAGTGCAACTACCTACATCGGCCTT-3'